The following is an entry in ClinVar:

ClinVar aggregate classification (germline): Uncertain significance (1 of 4 stars; one submission).

Allele frequency attached by ClinVar (database versions not stated): gnomAD exomes below 0.00001; ExAC 0.00001; gnomAD 0.00001; TOPMed 0.00002.
gnomAD v4.1: 4 of 1,614,038 alleles (0.00025%); highest among the groups gnomAD compares: African/African-American, 0.004%; no homozygotes.

Submission:

Labcorp Genetics (formerly Invitae), Labcorp
Classification: Uncertain significance. Last evaluated: 2024-10-24. Review status: criteria provided, single submitter. Criteria: Invitae Variant Classification Sherloc (09022015). Collection method: clinical testing. Allele origin: germline.
Comment: This sequence change replaces glutamic acid, which is acidic and polar, with lysine, which is basic and polar, at codon 1020 of the MICAL1 protein (p.Glu1020Lys). This variant is not present in population databases (gnomAD no frequency). This variant has not been reported in the literature in individuals affected with MICAL1-related conditions. An algorithm developed to predict the effect of missense changes on protein structure and function (PolyPhen-2) suggests that this variant is likely to be disruptive. In summary, the available evidence is currently insufficient to determine the role of this variant in disease. Therefore, it has been classified as a Variant of Uncertain Significance.

NM_022765.4(MICAL1):c.3001G>A (p.Glu1001Lys)

Gene: MICAL1 (microtubule associated monooxygenase, calponin and LIM domain containing 1; minus strand). Cytogenetic location: 6q21.
Variant type: single nucleotide variant.
Coding change: c.3001G>A on transcript NM_022765.4 (MANE Select); coding-DNA position 3001, G replaced by A.
Protein change: p.Glu1001Lys; replaces glutamic acid 1001 with lysine.
Molecular consequence: missense variant.
Genome position (GRCh38, 1-based): chr6:109,444,779, C>T on the plus strand (G>A on the coding strand, the complement: MICAL1 is on the minus strand). VCF-style: chr6-109444779-C-T. GRCh37 (hg19) VCF-style: chr6-109765982-C-T.
Other names: c.2743G>A, p.Glu915Lys (NM_001159291.2); c.3058G>A, p.Glu1020Lys (NM_001286613.2); short protein forms E1020K, E915K, E1001K.
Identifiers: ClinVar variation 2899136 (VCV002899136.3), dbSNP rs751043924, ClinGen allele CA3952674.